The following is an entry in ClinVar:

NM_014425.5(INVS):c.1607G>A (p.Arg536His)

Gene: INVS (inversin; plus strand). Cytogenetic location: 9q31.1.
Variant type: single nucleotide variant.
Coding change: c.1607G>A on transcript NM_014425.5 (MANE Select); coding-DNA position 1607, G replaced by A.
Protein change: p.Arg536His; replaces arginine 536 with histidine.
Molecular consequence: missense variant. On other transcripts: non-coding transcript variant (1).
Genome position (GRCh38, 1-based): chr9:100,272,899, G>A. VCF-style: chr9-100272899-G-A. GRCh37 (hg19) VCF-style: chr9-103035181-G-A.
Other names: c.1319G>A, p.Arg440His (NM_001318381.2); c.629G>A, p.Arg210His (NM_001318382.2); c.1607G>A (NM_014425.2); short protein forms R440H, R536H, R210H.
Identifiers: ClinVar variation 1448194 (VCV001448194.7), dbSNP rs752692382, ClinGen allele CA5158450.

ClinVar aggregate classification (germline): Uncertain significance. Review status: criteria provided, multiple submitters, no conflicts (2 of 4 stars). 2 submissions from 2 submitters: Uncertain significance (2). Last evaluated 2025-04-21.

Conditions:
Inborn genetic diseases. Identifiers: MedGen C0950123, MeSH D030342.
Nephronophthisis. Also called: Juvenile Nephronophthisis. Identifiers: Orphanet 655, MedGen C0687120, MONDO:0019005, HP:0000090.

Allele frequency attached by ClinVar (database versions not stated): gnomAD exomes below 0.00001 and 0.00001; ExAC 0.00001; gnomAD 0.00002; TOPMed 0.00003.
gnomAD v4.1: 22 of 1,613,744 alleles (0.0014%); highest among the groups gnomAD compares: East Asian, 0.0022%; no homozygotes.

Submissions (2):

Labcorp Genetics (formerly Invitae), Labcorp
Classification: Uncertain significance for Nephronophthisis. Last evaluated: 2025-04-21. Review status: criteria provided, single submitter. Criteria: Invitae Variant Classification Sherloc (09022015). Collection method: clinical testing. Allele origin: germline.
Comment: This sequence change replaces arginine, which is basic and polar, with histidine, which is basic and polar, at codon 536 of the INVS protein (p.Arg536His). This variant is present in population databases (rs752692382, gnomAD 0.0009%). This variant has not been reported in the literature in individuals affected with INVS-related conditions. ClinVar contains an entry for this variant (Variation ID: 1448194). An algorithm developed to predict the effect of missense changes on protein structure and function outputs the following: PolyPhen-2: "Benign". The histidine amino acid residue is found in multiple mammalian species, which suggests that this missense change does not adversely affect protein function. In summary, the available evidence is currently insufficient to determine the role of this variant in disease. Therefore, it has been classified as a Variant of Uncertain Significance.

Ambry Genetics
Classification: Uncertain significance for Inborn genetic diseases. Last evaluated: 2024-05-23. Review status: criteria provided, single submitter. Criteria: Ambry Variant Classification Scheme 2023. Collection method: clinical testing. Allele origin: germline.